The following is an entry in ClinVar:

ClinVar aggregate classification (germline): Uncertain significance (1 of 4 stars; one submission).

Conditions:
TTC21B-related disorder. Also called: TTC21B-related condition; TTC21B-related disorders.

gnomAD v4.1: 1 of 1,613,690 alleles (0.000062%); highest among the groups gnomAD compares: African/African-American, 0.0013%; no homozygotes.

Submission:

PreventionGenetics, part of Exact Sciences
Classification: Uncertain significance for TTC21B-related condition. Last evaluated: 2025-04-23. Review status: criteria provided, single submitter. Criteria: ACMG Guidelines, 2015. Collection method: clinical testing. Allele origin: germline.
Comment: The TTC21B c.1433T>C variant is predicted to result in the amino acid substitution p.Ile478Thr. To our knowledge, this variant has not been reported in the literature or in a large population database (gnomAD), indicating this variant is rare. At this time, the clinical significance of this variant is uncertain due to the absence of conclusive functional and genetic evidence.

NM_024753.5(TTC21B):c.1433T>C (p.Ile478Thr)

Gene: TTC21B (tetratricopeptide repeat domain 21B; minus strand). Cytogenetic location: 2q24.3.
Variant type: single nucleotide variant.
Coding change: c.1433T>C on transcript NM_024753.5 (MANE Select); coding-DNA position 1433, T replaced by C.
Protein change: p.Ile478Thr; replaces isoleucine 478 with threonine.
Molecular consequence: missense variant.
Genome position (GRCh38, 1-based): chr2:165,924,632, A>G on the plus strand (T>C on the coding strand, the complement: TTC21B is on the minus strand). VCF-style: chr2-165924632-A-G. GRCh37 (hg19) VCF-style: chr2-166781142-A-G.
Other names: short protein forms I478T.
Identifiers: ClinVar variation 4999996 (VCV004999996.1).